The following is an entry in ClinVar:

NM_014844.5(TECPR2):c.3246_3247del (p.Val1083fs)

Gene: TECPR2 (tectonin beta-propeller repeat containing 2; plus strand). Cytogenetic location: 14q32.31.
Variant type: Deletion.
Coding change: c.3246_3247del on transcript NM_014844.5 (MANE Select); coding-DNA positions 3246 to 3247, 2 bases deleted (GG; older notation c.3246_3247delGG).
Protein change: p.Val1083fs; shifts the reading frame from valine 1083.
Molecular consequence: frameshift variant.
Genome position (GRCh38, 1-based): chr14:102,449,799-102,449,800, GG deleted; deleting any 2 consecutive bases within chr14:102,449,797-102,449,800 gives the same sequence; the c. name uses the placement nearest the transcript's 3' end. VCF-style (leftmost placement, unchanged base first): chr14-102449796-CGG-C. GRCh37 (hg19) VCF-style: chr14-102916133-CGG-C.
Other names: c.3246_3247del, p.Val1083fs (NM_001172631.3); short protein forms V1083fs.
Identifiers: ClinVar variation 2704643 (VCV002704643.3), dbSNP rs2504453415, ClinGen allele CA2697554222.

ClinVar aggregate classification (germline): Pathogenic (1 of 4 stars; one submission).

Conditions:
Hereditary spastic paraplegia 49 (HSAN9). Also called: Spastic paraplegia 49, autosomal recessive; NEUROPATHY, HEREDITARY SENSORY AND AUTONOMIC, TYPE IX, WITH DEVELOPMENTAL DELAY; TECPR2-Related Hereditary Sensory and Autonomic Neuropathy with Intellectual Disability. Identifiers: Orphanet 320385, MedGen C5190860, MONDO:0014016, OMIM 615031.

Submission:

Labcorp Genetics (formerly Invitae), Labcorp
Classification: Pathogenic for Hereditary spastic paraplegia 49. Last evaluated: 2023-12-21. Review status: criteria provided, single submitter. Criteria: Invitae Variant Classification Sherloc (09022015). Collection method: clinical testing. Allele origin: germline.
Comment: This sequence change creates a premature translational stop signal (p.Val1083Glnfs*2) in the TECPR2 gene. It is expected to result in an absent or disrupted protein product. Loss-of-function variants in TECPR2 are known to be pathogenic (PMID: 23176824, 25590979). This variant is not present in population databases (gnomAD no frequency). This variant has not been reported in the literature in individuals affected with TECPR2-related conditions. For these reasons, this variant has been classified as Pathogenic.

Literature cited by the submitters: PubMed 23176824; PubMed 25590979.